The following is an entry in ClinVar:

NC_000007.13:g.(?_21743309)_(21745099_?)del

Gene: DNAH11 (dynein axonemal heavy chain 11; plus strand). Cytogenetic location: 7p15.3.
Variant type: Deletion.
Identifiers: ClinVar variation 3245645 (VCV003245645.1).

ClinVar aggregate classification (germline): Likely pathogenic (1 of 4 stars; one submission).

Conditions:
Primary ciliary dyskinesia. Also called: Ciliary dyskinesia. Identifiers: Orphanet 244, MedGen C0008780, MONDO:0016575, HP:0012265.

Submission:

Labcorp Genetics (formerly Invitae), Labcorp
Classification: Likely pathogenic for Primary ciliary dyskinesia. Last evaluated: 2023-04-13. Review status: criteria provided, single submitter. Criteria: Invitae Variant Classification Sherloc (09022015). Collection method: clinical testing. Allele origin: unknown.
Comment: In summary, the currently available evidence indicates that the variant is pathogenic, but additional data are needed to prove that conclusively. Therefore, this variant has been classified as Likely Pathogenic. This variant has not been reported in the literature in individuals affected with DNAH11-related conditions. This variant results in the deletion of exon 38 and part of exon 39 (c.6274-743_6490delinsCCAAATG) of the DNAH11 gene. It is expected to disrupt RNA splicing. Variants that disrupt the donor or acceptor splice site typically lead to a loss of protein function (PMID: 16199547), and loss-of-function variants in DNAH11 are known to be pathogenic (PMID: 18022865, 20513915, 22184204).

Literature cited by the submitters: PubMed 16199547; PubMed 18022865; PubMed 20513915; PubMed 22184204.